The following is an entry in ClinVar:

NM_001128918.3(MARK3):c.125C>T (p.Ser42Phe)

Gene: MARK3 (microtubule affinity regulating kinase 3; plus strand). Cytogenetic location: 14q32.32.
Variant type: single nucleotide variant.
Coding change: c.125C>T on transcript NM_001128918.3 (MANE Select); coding-DNA position 125, C replaced by T.
Protein change: p.Ser42Phe; replaces serine 42 with phenylalanine.
Molecular consequence: missense variant.
Genome position (GRCh38, 1-based): chr14:103,405,149, C>T. VCF-style: chr14-103405149-C-T. GRCh37 (hg19) VCF-style: chr14-103871486-C-T.
Other names: c.125C>T, p.Ser42Phe (NM_001128919.3, NM_001128920.3, NM_001128921.3 and 1 more transcripts); short protein forms S42F.
Identifiers: ClinVar variation 1049994 (VCV001049994.1), dbSNP rs551785219, ClinGen allele CA7363723.

ClinVar aggregate classification (germline): Uncertain significance (0 of 4 stars; one submission).

Allele frequency attached by ClinVar (database versions not stated): ExAC 0.00005; gnomAD 0.00005; gnomAD exomes 0.00007; 1000 Genomes Project 30x 0.00016; 1000 Genomes Project 0.00020.

Submission:

Department of Pathology and Laboratory Medicine, Sinai Health System
Classification: Uncertain significance. Review status: no assertion criteria provided. Collection method: clinical testing. Allele origin: unknown. Affected: yes. Study: The Canadian Open Genetics Repository (COGR).
Comment: The MARK3 p.Ser42Phe variant was not identified in the literature nor was it identified in ClinVar. The variant was identified in dbSNP (ID: rs551785219) and in control databases in 19 of 279356 chromosomes at a frequency of 0.00006801 (Genome Aggregation Database March 6, 2019, v2.1.1). The variant was observed in the following populations: Ashkenazi Jewish in 2 of 10308 chromosomes (freq: 0.000194), Latino in 6 of 34922 chromosomes (freq: 0.000172), Other in 1 of 7122 chromosomes (freq: 0.00014) and European (non-Finnish) in 10 of 128112 chromosomes (freq: 0.000078), but was not observed in the African, East Asian, European (Finnish), or South Asian populations. The p.Ser42 residue is conserved in mammals and computational analyses (PolyPhen-2, SIFT, AlignGVGD, BLOSUM, MutationTaster) provide inconsistent predictions regarding the impact to the protein; this information is not very predictive of pathogenicity. The variant occurs outside of the splicing consensus sequence and three of four in silico or computational prediction software programs (SpliceSiteFinder, MaxEntScan, NNSPLICE, GeneSplicer) do not predict a greater than 10% difference in splicing; this is not very predictive of pathogenicity. In summary, based on the above information the clinical significance of this variant cannot be determined with certainty at this time. This variant is classified as a variant of uncertain significance.